The following is an entry in ClinVar:

NM_001017995.3(SH3PXD2B):c.2381C>G (p.Pro794Arg)

Gene: SH3PXD2B (SH3 and PX domains 2B; minus strand). Cytogenetic location: 5q35.1.
Variant type: single nucleotide variant.
Coding change: c.2381C>G on transcript NM_001017995.3 (MANE Select); coding-DNA position 2381, C replaced by G.
Protein change: p.Pro794Arg; replaces proline 794 with arginine.
Molecular consequence: missense variant. On other transcripts: intron variant (1).
Genome position (GRCh38, 1-based): chr5:172,338,724, G>C on the plus strand (C>G on the coding strand, the complement: SH3PXD2B is on the minus strand). VCF-style: chr5-172338724-G-C. GRCh37 (hg19) VCF-style: chr5-171765728-G-C.
Other names: c.1188+7412C>G (NM_001308175.2); short protein forms P794R.
Identifiers: ClinVar variation 1062947 (VCV001062947.8), dbSNP rs753753762, ClinGen allele CA3560980.

ClinVar aggregate classification (germline): Uncertain significance (1 of 4 stars; one submission).

Allele frequency attached by ClinVar (database versions not stated): gnomAD exomes 0.00002 and 0.00006; ExAC 0.00007.
gnomAD v4.1: 37 of 1,614,242 alleles (0.0023%); highest among the groups gnomAD compares: South Asian, 0.034%; 1 homozygote.

Submission:

Labcorp Genetics (formerly Invitae), Labcorp
Classification: Uncertain significance. Last evaluated: 2024-02-24. Review status: criteria provided, single submitter. Criteria: Invitae Variant Classification Sherloc (09022015). Collection method: clinical testing. Allele origin: germline.
Comment: This sequence change replaces proline, which is neutral and non-polar, with arginine, which is basic and polar, at codon 794 of the SH3PXD2B protein (p.Pro794Arg). This variant is present in population databases (rs753753762, gnomAD 0.05%), including at least one homozygous and/or hemizygous individual. This variant has not been reported in the literature in individuals affected with SH3PXD2B-related conditions. ClinVar contains an entry for this variant (Variation ID: 1062947). An algorithm developed to predict the effect of missense changes on protein structure and function (PolyPhen-2) suggests that this variant is likely to be tolerated. In summary, the available evidence is currently insufficient to determine the role of this variant in disease. Therefore, it has been classified as a Variant of Uncertain Significance.